The following is an entry in ClinVar:

NM_014476.6(PDLIM3):c.759C>G (p.Phe253Leu)

Gene: PDLIM3 (PDZ and LIM domain 3; minus strand). Cytogenetic location: 4q35.1.
Variant type: single nucleotide variant.
Coding change: c.759C>G on transcript NM_014476.6 (MANE Select); coding-DNA position 759, C replaced by G.
Protein change: p.Phe253Leu; replaces phenylalanine 253 with leucine.
Molecular consequence: missense variant. On other transcripts: non-coding transcript variant (1).
Genome position (GRCh38, 1-based): chr4:185,506,556, G>C on the plus strand (C>G on the coding strand, the complement: PDLIM3 is on the minus strand). VCF-style: chr4-185506556-G-C. GRCh37 (hg19) VCF-style: chr4-186427710-G-C.
Other names: c.615C>G, p.Phe205Leu (NM_001114107.5); c.495C>G, p.Phe165Leu (NM_001257962.2); c.258C>G, p.Phe86Leu (NM_001257963.2); short protein forms F205L, F253L, F165L, F86L.
Identifiers: ClinVar variation 1759689 (VCV001759689.2), dbSNP rs1257789806, ClinGen allele CA358922597.

ClinVar aggregate classification (germline): Uncertain significance (1 of 4 stars; one submission).

Allele frequency attached by ClinVar (database versions not stated): TOPMed below 0.00001.

Submission:

Ambry Genetics
Classification: Uncertain significance. Last evaluated: 2022-09-26. Review status: criteria provided, single submitter. Criteria: Ambry Variant Classification Scheme 2023. Collection method: clinical testing. Allele origin: germline.
Comment: The p.F253L variant (also known as c.759C>G), located in coding exon 6 of the PDLIM3 gene, results from a C to G substitution at nucleotide position 759. The phenylalanine at codon 253 is replaced by leucine, an amino acid with highly similar properties. This amino acid position is conserved. In addition, the in silico prediction for this alteration is inconclusive. Since supporting evidence is limited at this time, the clinical significance of this alteration remains unclear.